The following is an entry in ClinVar:

NM_002645.4(PIK3C2A):c.4243A>G (p.Thr1415Ala)

Gene: PIK3C2A (phosphatidylinositol-4-phosphate 3-kinase catalytic subunit type 2 alpha; minus strand). Cytogenetic location: 11p15.1.
Variant type: single nucleotide variant.
Coding change: c.4243A>G on transcript NM_002645.4 (MANE Select); coding-DNA position 4243, A replaced by G.
Protein change: p.Thr1415Ala; replaces threonine 1415 with alanine.
Molecular consequence: missense variant.
Genome position (GRCh38, 1-based): chr11:17,097,140, T>C on the plus strand (A>G on the coding strand, the complement: PIK3C2A is on the minus strand). VCF-style: chr11-17097140-T-C. GRCh37 (hg19) VCF-style: chr11-17118687-T-C.
Other names: c.4243A>G, p.Thr1415Ala (NM_001321378.2); c.3103A>G, p.Thr1035Ala (NM_001321380.2); c.4075A>G, p.Thr1359Ala (NM_001386870.1); c.4243A>G (NM_001321378.1); short protein forms T1035A, T1359A, T1415A.
Identifiers: ClinVar variation 1327027 (VCV001327027.15), dbSNP rs11604561, ClinGen allele CA5900582.

ClinVar aggregate classification (germline): Benign. Review status: criteria provided, multiple submitters, no conflicts (2 of 4 stars). 5 submissions from 5 submitters: Benign (4). 1 of the submissions does not count toward it. Last evaluated 2026-02-04.

Conditions:
Oculocerebrodental syndrome (OCSKD). Also called: OCULOSKELETODENTAL SYNDROME; CATARACTS, EARLY-ONSET, WITH SKELETAL AND DENTAL ANOMALIES. Identifiers: Orphanet 557003, MedGen C5193101, MONDO:0034145, OMIM 618440.
PIK3C2A-related disorder. Also called: PIK3C2A-related condition.

Allele frequency attached by ClinVar (database versions not stated): ExAC 0.10021; gnomAD exomes 0.10150 and 0.11085; 1000 Genomes Project 0.08027; 1000 Genomes Project 30x 0.08495; TOPMed 0.10728; gnomAD 0.10854 and 0.11089; ESP Exome Variant Server 0.11597.
gnomAD v4.1: 178,525 of 1,608,210 alleles (11%); highest among the groups gnomAD compares: Middle Eastern, 16%; 10,584 homozygotes.

Submissions (15):

Labcorp Genetics (formerly Invitae), Labcorp
Classification: Benign. Last evaluated: 2026-02-04. Review status: criteria provided, single submitter. Criteria: Invitae Variant Classification Sherloc (09022015). Collection method: clinical testing. Allele origin: germline.

Blueprint Genetics
Classification: Benign. Last evaluated: 2024-11-27. Review status: criteria provided, single submitter. Criteria: ACMG Guidelines, 2015. Collection method: clinical testing. Allele origin: germline.

Genome-Nilou Lab
Classification: Benign for Oculocerebrodental syndrome. Last evaluated: 2021-09-05. Review status: criteria provided, single submitter. Criteria: ACMG Guidelines, 2015. Collection method: clinical testing. Allele origin: germline. Affected: no.

Breakthrough Genomics
Classification: Benign. Review status: criteria provided, single submitter. Criteria: ACMG Guidelines, 2015. Collection method: not provided. Allele origin: germline. Inheritance: Autosomal recessive inheritance. Affected: yes.

PreventionGenetics, part of Exact Sciences
Classification: Benign for PIK3C2A-related condition. Last evaluated: 2019-10-30. Review status: no assertion criteria provided. Collection method: clinical testing. Allele origin: germline. Not counted in ClinVar's aggregate classification.
Comment: This variant is classified as benign based on ACMG/AMP sequence variant interpretation guidelines (Richards et al. 2015 PMID: 25741868, with internal and published modifications).

Dr. Peter K. Rogan Lab, Western University
No classification provided (evidence only). Condition: Colorectal cancer. Review status: no classification provided. Collection method: in vitro. Allele origin: not applicable. Functional consequence: skipped exon. Not counted in ClinVar's aggregate classification.

Dr. Peter K. Rogan Lab, Western University
No classification provided (evidence only). Condition: Colorectal cancer. Review status: no classification provided. Collection method: in vitro. Allele origin: not applicable. Functional consequence: skipped exon. Not counted in ClinVar's aggregate classification.

Dr. Peter K. Rogan Lab, Western University
No classification provided (evidence only). Condition: Malignant lymphoma, large B-cell, diffuse. Review status: no classification provided. Collection method: in vitro. Allele origin: not applicable. Functional consequence: skipped exon, retained intron. Not counted in ClinVar's aggregate classification.

Dr. Peter K. Rogan Lab, Western University
No classification provided (evidence only). Condition: Malignant lymphoma, large B-cell, diffuse. Review status: no classification provided. Collection method: in vitro. Allele origin: not applicable. Functional consequence: retained intron. Not counted in ClinVar's aggregate classification.

Dr. Peter K. Rogan Lab, Western University
No classification provided (evidence only). Condition: Malignant lymphoma, large B-cell, diffuse. Review status: no classification provided. Collection method: in vitro. Allele origin: not applicable. Functional consequence: skipped exon. Not counted in ClinVar's aggregate classification.

Dr. Peter K. Rogan Lab, Western University
No classification provided (evidence only). Condition: Cholangiocarcinoma. Review status: no classification provided. Collection method: in vitro. Allele origin: not applicable. Functional consequence: retained intron. Not counted in ClinVar's aggregate classification.

Dr. Peter K. Rogan Lab, Western University
No classification provided (evidence only). Condition: Cholangiocarcinoma. Review status: no classification provided. Collection method: in vitro. Allele origin: not applicable. Functional consequence: retained intron. Not counted in ClinVar's aggregate classification.

Dr. Peter K. Rogan Lab, Western University
No classification provided (evidence only). Condition: Uveal melanoma. Review status: no classification provided. Collection method: in vitro. Allele origin: not applicable. Functional consequence: retained intron. Not counted in ClinVar's aggregate classification.

Dr. Peter K. Rogan Lab, Western University
No classification provided (evidence only). Condition: Uveal melanoma. Review status: no classification provided. Collection method: in vitro. Allele origin: not applicable. Functional consequence: retained intron. Not counted in ClinVar's aggregate classification.

Dr. Peter K. Rogan Lab, Western University
No classification provided (evidence only). Condition: Uveal melanoma. Review status: no classification provided. Collection method: in vitro. Allele origin: not applicable. Functional consequence: retained intron. Not counted in ClinVar's aggregate classification.